The following is an entry in ClinVar:

ClinVar aggregate classification (germline): Likely pathogenic (1 of 4 stars; one submission).

Submission:

Dasa
Classification: Likely pathogenic. Last evaluated: 2024-12-16. Review status: criteria provided, single submitter. Criteria: DASA Assertion Criteria. Collection method: clinical testing. Allele origin: germline.
Comment: NM_001267550.2(TTN):c.42322_42323del (p.Ile14108SerfsTer4) is a frameshift variant in TTN predicted to alter the reading frame and introduce a premature termination codon and is predicted to result in an absent or altered protein product. Loss of function is an established disease mechanism for TTN-associated disorders. Also, this variant is absent from population databases. Based on the currently available evidence, this variant is classified as likely pathogenic.

NM_001267550.2(TTN):c.42322_42323del (p.Ile14108fs)

Gene: TTN (titin; minus strand). Cytogenetic location: 2q31.2.
Variant type: Microsatellite.
Coding change: c.42322_42323del on transcript NM_001267550.2 (MANE Select); coding-DNA positions 42322 to 42323, 2 bases deleted (AT; older notation c.42322_42323delAT).
Protein change: p.Ile14108fs; shifts the reading frame from isoleucine 14108.
Molecular consequence: frameshift variant.
Genome position (GRCh38, 1-based): chr2:178,634,458-178,634,459, AT deleted on the plus strand (AT on the coding strand, the reverse complement: TTN is on the minus strand); deleting any 2 consecutive bases within chr2:178,634,458-178,634,461 gives the same sequence; the c. name uses the placement nearest the transcript's 3' end. VCF-style (leftmost placement, unchanged base first): chr2-178634457-AAT-A. GRCh37 (hg19) VCF-style: chr2-179499184-AAT-A.
Other names: c.37399_37400del, p.Ile12467fs (NM_001256850.1); c.15127_15128del, p.Ile5043fs (NM_003319.4); c.34618_34619del, p.Ile11540fs (NM_133378.4); c.15502_15503del, p.Ile5168fs (NM_133432.3); c.15703_15704del, p.Ile5235fs (NM_133437.4); short protein forms I11540fs, I12467fs, I14108fs, I5043fs, I5168fs, I5235fs.
Identifiers: ClinVar variation 4880692 (VCV004880692.2).